The following is an entry in ClinVar:

ClinVar aggregate classification (germline): Uncertain significance (1 of 4 stars; one submission).

Conditions:
Hereditary nonpolyposis colorectal neoplasms. Identifiers: MedGen C0009405, MeSH D003123.

Submission:

Labcorp Genetics (formerly Invitae), Labcorp
Classification: Uncertain significance for Hereditary nonpolyposis colorectal neoplasms. Last evaluated: 2021-02-14. Review status: criteria provided, single submitter. Criteria: Invitae Variant Classification Sherloc (09022015). Collection method: clinical testing. Allele origin: germline.
Comment: In summary, the available evidence is currently insufficient to determine the role of this variant in disease. Therefore, it has been classified as a Variant of Uncertain Significance. Advanced modeling of protein sequence and biophysical properties (such as structural, functional, and spatial information, amino acid conservation, physicochemical variation, residue mobility, and thermodynamic stability) performed at Invitae indicates that this missense variant is not expected to disrupt MSH6 protein function. This variant has not been reported in the literature in individuals with MSH6-related conditions. This variant is not present in population databases (ExAC no frequency). This sequence change replaces serine with tyrosine at codon 348 of the MSH6 protein (p.Ser348Tyr). The serine residue is moderately conserved and there is a large physicochemical difference between serine and tyrosine.

NM_000179.3(MSH6):c.1043C>A (p.Ser348Tyr)

Gene: MSH6 (mutS homolog 6; plus strand). Cytogenetic location: 2p16.3.
Variant type: single nucleotide variant.
Coding change: c.1043C>A on transcript NM_000179.3 (MANE Select); coding-DNA position 1043, C replaced by A.
Protein change: p.Ser348Tyr; replaces serine 348 with tyrosine.
Molecular consequence: missense variant.
Genome position (GRCh38, 1-based): chr2:47,799,026, C>A. VCF-style: chr2-47799026-C-A. GRCh37 (hg19) VCF-style: chr2-48026165-C-A.
Other names: c.653C>A, p.Ser218Tyr (NM_001281492.2); c.137C>A, p.Ser46Tyr (NM_001281493.2, NM_001281494.2); short protein forms S218Y, S348Y, S46Y.
Identifiers: ClinVar variation 1509821 (VCV001509821.8), dbSNP rs758432113, ClinGen allele CA346741484.
Genomic context (GRCh38, chr2:47,799,026, plus strand): 5'-GCATTTCATCAGAAACCAAGAATACTTTGAGAGCTTTCTCTGCCCCTCAAAATTCTGAAT[C>A]CCAAGCCCACGTTAGTGGAGGTGGTGATGACAGTAGTCGCCCTACTGTTTGGTATCATGA-3'
Protein context (NP_000170.1, residues 338-358): RAFSAPQNSE[Ser348Tyr]QAHVSGGGDD